The following is an entry in ClinVar:

ClinVar aggregate classification (germline): Uncertain significance (1 of 4 stars; one submission).

Submission:

Women's Health and Genetics/Laboratory Corporation of America, LabCorp
Classification: Uncertain significance. Last evaluated: 2025-12-05. Review status: criteria provided, single submitter. Criteria: LabCorp Variant Classification Summary - May 2015. Collection method: clinical testing. Allele origin: germline.
Comment: Variant summary: OTUD5 c.355G>A (p.Ala119Thr) results in a non-conservative amino acid change in the encoded protein sequence. Algorithms developed to predict the effect of missense changes on protein structure and function are either unavailable or do not agree on the potential impact of this missense change. The variant was absent in 43710 control chromosomes. The available data on variant occurrences in the general population are insufficient to allow any conclusion about variant significance. To our knowledge, no occurrence of c.355G>A in individuals affected with OTUD5-related conditions and no experimental evidence demonstrating its impact on protein function have been reported. No submitters have cited clinical-significance assessments for this variant to ClinVar. Based on the evidence outlined above, the variant was classified as uncertain significance.

NM_001136157.2(OTUD5):c.355G>A (p.Ala119Thr)

Gene: OTUD5 (OTU deubiquitinase 5; minus strand). Cytogenetic location: Xp11.23.
Variant type: single nucleotide variant.
Coding change: c.355G>A on transcript NM_001136157.2 (MANE Select); coding-DNA position 355, G replaced by A.
Protein change: p.Ala119Thr; replaces alanine 119 with threonine.
Molecular consequence: missense variant. On other transcripts: intron variant (1).
Genome position (GRCh38, 1-based): chrX:48,957,216, C>T on the plus strand (G>A on the coding strand, the complement: OTUD5 is on the minus strand). VCF-style: chrX-48957216-C-T. GRCh37 (hg19) VCF-style: chrX-48814478-C-T.
Other names: c.355G>A, p.Ala119Thr (NM_001136158.2, NM_017602.4); c.-58+1016G>A (NM_001136159.2); short protein forms A119T.
Identifiers: ClinVar variation 4688546 (VCV004688546.1).